The following is an entry in ClinVar:

ClinVar aggregate classification (germline): Uncertain significance. Review status: criteria provided, multiple submitters, no conflicts (2 of 4 stars). 2 submissions from 2 submitters: Uncertain significance (2). Last evaluated 2025-11-26.

Conditions:
Severe early-onset pulmonary alveolar proteinosis due to MARS deficiency. Also called: PULMONARY ALVEOLAR PROTEINOSIS, REUNION ISLAND; Interstitial lung and liver disease. Identifiers: Orphanet 440427, MedGen C4225400, MONDO:0014206, OMIM 615486.
Charcot-Marie-Tooth disease axonal type 2U. Also called: CHARCOT-MARIE-TOOTH NEUROPATHY, TYPE 2U; CHARCOT-MARIE-TOOTH DISEASE, AXONAL, AUTOSOMAL DOMINANT, TYPE 2U. Identifiers: Orphanet 397735, MedGen C4084821, MONDO:0014566, OMIM 616280.

Allele frequency attached by ClinVar (database versions not stated): gnomAD exomes below 0.00001 and 0.00001; TOPMed below 0.00001; gnomAD 0.00001.
gnomAD v4.1: 10 of 1,614,026 alleles (0.00062%); highest among the groups gnomAD compares: Non-Finnish European, 0.00085%; no homozygotes.

Submissions (2):

Labcorp Genetics (formerly Invitae), Labcorp
Classification: Uncertain significance for Charcot-Marie-Tooth disease axonal type 2U; Severe early-onset pulmonary alveolar proteinosis due to MARS deficiency. Last evaluated: 2025-11-26. Review status: criteria provided, single submitter. Criteria: Invitae Variant Classification Sherloc (09022015). Collection method: clinical testing. Allele origin: germline.
Comment: This sequence change replaces glycine, which is neutral and non-polar, with serine, which is neutral and polar, at codon 24 of the MARS protein (p.Gly24Ser). This variant is not present in population databases (gnomAD no frequency). This variant has not been reported in the literature in individuals affected with MARS-related conditions. ClinVar contains an entry for this variant (Variation ID: 1681670). An algorithm developed to predict the effect of missense changes on protein structure and function (PolyPhen-2) suggests that this variant is likely to be tolerated. In summary, the available evidence is currently insufficient to determine the role of this variant in disease. Therefore, it has been classified as a Variant of Uncertain Significance.

Ambry Genetics
Classification: Uncertain significance. Last evaluated: 2025-07-15. Review status: criteria provided, single submitter. Criteria: Ambry Variant Classification Scheme 2023. Collection method: clinical testing. Allele origin: germline.

NM_004990.4(MARS1):c.70G>A (p.Gly24Ser)

Genes: ARHGAP9 (Rho GTPase activating protein 9; minus strand), MARS1 (methionyl-tRNA synthetase 1; plus strand). Cytogenetic location: 12q13.3.
Variant type: single nucleotide variant.
Coding change: c.70G>A on transcript NM_004990.4 (MANE Select); coding-DNA position 70, G replaced by A.
Protein change: p.Gly24Ser; replaces glycine 24 with serine.
Molecular consequence: missense variant. On other transcripts: intron variant (1).
Genome position (GRCh38, 1-based): chr12:57,488,160, G>A. VCF-style: chr12-57488160-G-A. GRCh37 (hg19) VCF-style: chr12-57881943-G-A.
Other names: c.-204+452C>T (NM_001319850.2); short protein forms G24S.
Identifiers: ClinVar variation 1681670 (VCV001681670.10), dbSNP rs1227531274, ClinGen allele CA385490064.